The following is an entry in ClinVar:

NM_004364.5(CEBPA):c.572ACCCGC[4] (p.191HP[4])

Gene: CEBPA (CCAAT enhancer binding protein alpha; minus strand). Cytogenetic location: 19q13.11.
Variant type: Microsatellite.
Coding change: c.572ACCCGC[4] on transcript NM_004364.5 (MANE Select); four copies in a row of the 6-base unit ACCCGC starting at c.572; the reference has three copies in a row; one copy, 6 bases duplicated.
Protein change: p.191HP[4].
Molecular consequence: inframe insertion.
Genome position (GRCh38, 1-based): chr19:33,301,826-33,301,831, GCGGGT duplicated on the plus strand (ACCCGC on the coding strand, the reverse complement: CEBPA is on the minus strand); duplicating any 6 consecutive bases within chr19:33,301,826-33,301,846 gives the same sequence; the position shown is the placement nearest the transcript's 3' end. VCF-style (leftmost placement, unchanged base first): chr19-33301825-G-GGCGGGT. GRCh37 (hg19) VCF-style: chr19-33792731-G-GGCGGGT.
Other names: p.His195_Pro196dup; c.215ACCCGC[4], p.72HP[4] (NM_001285829.2); c.677ACCCGC[4], p.226HP[4] (NM_001287424.2); c.530ACCCGC[4], p.177HP[4] (NM_001287435.2); c.584_589dupACCCGC (NM_004364.3, NM_004364.4).
Identifiers: ClinVar variation 210652 (VCV000210652.30), dbSNP rs762459325, ClinGen allele CA209407.
Genomic context (GRCh38, chr19:33,301,825, plus strand): 5'-GTGGTCTGGCCGCAGTGCGCGATCTGGAACTGCAGGTGCGGGGCGGCCAGGTGCGCGGGC[G>GGCGGGT]GCGGGTGCGGGTGCGGGTGCGAGGGCGGCGGCGGCGGCGGCGGCTGGTAAGGGAAGAGGC-3'

ClinVar aggregate classification (germline): Benign/Likely benign. Review status: criteria provided, multiple submitters, no conflicts (2 of 4 stars). 10 submissions from 10 submitters: Benign (7); Likely benign (1). 2 of the submissions do not count toward it. Last evaluated 2026-02-04.

Conditions:
Hereditary cancer-predisposing syndrome. Also called: Tumor predisposition; Hereditary Cancer Syndrome; Neoplastic Syndromes, Hereditary; Hereditary neoplastic syndrome. Identifiers: Orphanet 140162, MedGen C0027672, MeSH D009386, MONDO:0015356.
Acute myeloid leukemia (AML). Also called: Acute myeloid leukemia, adult; AML adult; Acute non-lymphocytic leukemia; Acute granulocytic leukemia; Leukemia, acute myelogenous, somatic; Leukemia, acute myeloid, somatic. Identifiers: Orphanet 519, MedGen C0023467, MeSH D015470, MONDO:0018874, OMIM 601626, HP:0004808. Disease mechanism: Constitutively activated FLT3.

Submissions (10):

Labcorp Genetics (formerly Invitae), Labcorp
Classification: Benign for Acute myeloid leukemia. Last evaluated: 2026-02-04. Review status: criteria provided, single submitter. Criteria: Invitae Variant Classification Sherloc (09022015). Collection method: clinical testing. Allele origin: germline.

ARUP Laboratories, Molecular Genetics and Genomics, ARUP Laboratories
Classification: Benign. Last evaluated: 2025-03-13. Review status: criteria provided, single submitter. Criteria: ARUP Molecular Germline Variant Investigation Process 2024. Collection method: clinical testing. Allele origin: germline.

Blueprint Genetics
Classification: Benign. Last evaluated: 2024-11-28. Review status: criteria provided, single submitter. Criteria: ACMG Guidelines, 2015. Collection method: clinical testing. Allele origin: germline.

Mayo Clinic Laboratories, Mayo Clinic
Classification: Benign. Last evaluated: 2022-09-06. Review status: criteria provided, single submitter. Criteria: ACMG Guidelines, 2015. Collection method: clinical testing. Allele origin: germline. Observed: 4 variant alleles.

Institute for Clinical Genetics, University Hospital TU Dresden, University Hospital TU Dresden
Classification: Benign. Last evaluated: 2021-11-03. Review status: criteria provided, single submitter. Criteria: ACMG Guidelines, 2015. Collection method: clinical testing. Allele origin: germline.

GeneDx
Classification: Benign. Last evaluated: 2020-11-23. Review status: criteria provided, single submitter. Criteria: GeneDx Variant Classification Process June 2021. Collection method: clinical testing. Allele origin: germline. Affected: yes.
Comment: In-frame insertion of 2 amino acids in a non-repeat region; This variant is associated with the following publications: (PMID: 23926458, 29365323, 18729193, 25987038, 17190859, 29410295, 24054719, 20970189, 29668487, 29727824, 21403128, 28637622, 17557966, 15746035, 17851556, 14726504, 22389883, 18946494, 27602952, 29180507, 24056881, 25468431)

Sema4
Classification: Benign for Hereditary cancer-predisposing syndrome. Last evaluated: 2020-06-10. Review status: criteria provided, single submitter. Criteria: Sema4 Curation Guidelines. Collection method: curation. Allele origin: germline.

Genetic Services Laboratory, University of Chicago
Classification: Likely benign. Last evaluated: 2015-07-24. Review status: criteria provided, single submitter. Criteria: ACMG Guidelines, 2015. Collection method: clinical testing. Allele origin: germline.

Genome Diagnostics Laboratory, Amsterdam University Medical Center
Classification: Likely benign. Review status: no assertion criteria provided. Collection method: clinical testing. Allele origin: germline. Affected: yes. Study: VKGL Data-share Consensus. Not counted in ClinVar's aggregate classification.

Laboratory of Diagnostic Genome Analysis, Leiden University Medical Center (LUMC)
Classification: Benign. Review status: no assertion criteria provided. Collection method: clinical testing. Allele origin: germline. Affected: yes. Study: VKGL Data-share Consensus. Not counted in ClinVar's aggregate classification.